The following is an entry in ClinVar:

NM_002519.3(NPAT):c.1063A>C (p.Asn355His)

Gene: NPAT (nuclear protein, coactivator of histone transcription; minus strand). Cytogenetic location: 11q22.3.
Variant type: single nucleotide variant.
Coding change: c.1063A>C on transcript NM_002519.3 (MANE Select); coding-DNA position 1063, A replaced by C.
Protein change: p.Asn355His; replaces asparagine 355 with histidine.
Molecular consequence: missense variant.
Genome position (GRCh38, 1-based): chr11:108,176,315, T>G on the plus strand (A>C on the coding strand, the complement: NPAT is on the minus strand). VCF-style: chr11-108176315-T-G. GRCh37 (hg19) VCF-style: chr11-108047042-T-G.
Other names: c.1063A>C, p.Asn355His (NM_001321307.1); short protein forms N355H.
Identifiers: ClinVar variation 3300602 (VCV003300602.1).
Genomic context (GRCh38, chr11:108,176,315, plus strand): 5'-CTGTTTCAAAAGAACCTTTAACTGCTAGATTAGTTTCATCTGCTAAGACTATACTGGGAT[T>G]GGATTCCATAGGTTGACTGGAAATACTTTGTGATATATTTTTATTATTCTTTGTTTTGCC-3'
Protein context (NP_002510.2, residues 345-365): QSISSQPMES[Asn355His]PSIVLADETN

ClinVar aggregate classification (germline): Uncertain significance (1 of 4 stars; one submission).

Submission:

Ambry Genetics
Classification: Uncertain significance. Last evaluated: 2024-03-18. Review status: criteria provided, single submitter. Criteria: Ambry Variant Classification Scheme 2023. Collection method: clinical testing. Allele origin: germline.
Comment: The p.N355H variant (also known as c.1063A>C), located in coding exon 12 of the NPAT gene, results from an A to C substitution at nucleotide position 1063. The asparagine at codon 355 is replaced by histidine, an amino acid with similar properties. This amino acid position is conserved. In addition, this alteration is predicted to be tolerated by in silico analysis. Based on the available evidence, the clinical significance of this alteration remains unclear.